The following is an entry in ClinVar:

ClinVar aggregate classification (germline): Uncertain significance. Review status: criteria provided, multiple submitters, no conflicts (2 of 4 stars). 2 submissions from 2 submitters: Uncertain significance (2). Last evaluated 2024-04-19.

Conditions:
Congenital adrenal insufficiency with 46, XY sex reversal OR 46,XY disorder of sex development-adrenal insufficiency due to CYP11A1 deficiency. Also called: Congenital adrenal insuffiency with 46, XY sex reversal OR 46,XY disorder of sex development-adrenal insufficiency due to CYP11A1 deficiency; P450scc DEFICIENCY. Identifiers: Orphanet 168558, MedGen C3151055, MONDO:0013400, OMIM 613743.

Allele frequency attached by ClinVar (database versions not stated): ExAC 0.00001; gnomAD 0.00001; TOPMed 0.00002.
gnomAD v4.1: 11 of 1,614,020 alleles (0.00068%); highest among the groups gnomAD compares: Admixed American, 0.0083%; no homozygotes.

Submissions (2):

Fulgent Genetics
Classification: Uncertain significance for Congenital adrenal insufficiency with 46, XY sex reversal OR 46,XY disorder of sex development-adrenal insufficiency due to CYP11A1 deficiency. Last evaluated: 2024-04-19. Review status: criteria provided, single submitter. Criteria: ACMG Guidelines, 2015. Collection method: clinical testing. Allele origin: germline.

Labcorp Genetics (formerly Invitae), Labcorp
Classification: Uncertain significance. Last evaluated: 2022-04-29. Review status: criteria provided, single submitter. Criteria: Invitae Variant Classification Sherloc (09022015). Collection method: clinical testing. Allele origin: germline.
Comment: This sequence change replaces alanine, which is neutral and non-polar, with threonine, which is neutral and polar, at codon 468 of the CYP11A1 protein (p.Ala468Thr). This variant is present in population databases (rs757055824, gnomAD 0.009%). This variant has not been reported in the literature in individuals affected with CYP11A1-related conditions. Algorithms developed to predict the effect of missense changes on protein structure and function (SIFT, PolyPhen-2, Align-GVGD) all suggest that this variant is likely to be disruptive. In summary, the available evidence is currently insufficient to determine the role of this variant in disease. Therefore, it has been classified as a Variant of Uncertain Significance.

NM_000781.3(CYP11A1):c.1402G>A (p.Ala468Thr)

Gene: CYP11A1 (cytochrome P450 family 11 subfamily A member 1; minus strand). Cytogenetic location: 15q24.1.
Variant type: single nucleotide variant.
Coding change: c.1402G>A on transcript NM_000781.3 (MANE Select); coding-DNA position 1402, G replaced by A.
Protein change: p.Ala468Thr; replaces alanine 468 with threonine.
Molecular consequence: missense variant.
Genome position (GRCh38, 1-based): chr15:74,338,603, C>T on the plus strand (G>A on the coding strand, the complement: CYP11A1 is on the minus strand). VCF-style: chr15-74338603-C-T. GRCh37 (hg19) VCF-style: chr15-74630944-C-T.
Other names: c.928G>A, p.Ala310Thr (NM_001099773.2); short protein forms A468T, A310T.
Identifiers: ClinVar variation 2146209 (VCV002146209.2), dbSNP rs757055824, ClinGen allele CA7656273.